The following is an entry in ClinVar:

ClinVar aggregate classification (germline): Uncertain significance (1 of 4 stars; one submission).

gnomAD v4.1: 19 of 1,585,848 alleles (0.0012%); highest among the groups gnomAD compares: African/African-American, 0.02%; no homozygotes.

Submission:

Labcorp Genetics (formerly Invitae), Labcorp
Classification: Uncertain significance. Last evaluated: 2024-12-04. Review status: criteria provided, single submitter. Criteria: Invitae Variant Classification Sherloc (09022015). Collection method: clinical testing. Allele origin: germline.
Comment: This sequence change falls in intron 1 of the MRPL12 gene. It does not directly change the encoded amino acid sequence of the MRPL12 protein. This variant is present in population databases (rs777216027, gnomAD 0.01%). This variant has not been reported in the literature in individuals affected with MRPL12-related conditions. Algorithms developed to predict the effect of sequence changes on RNA splicing suggest that this variant may disrupt the consensus splice site. In summary, the available evidence is currently insufficient to determine the role of this variant in disease. Therefore, it has been classified as a Variant of Uncertain Significance.

NM_002949.4(MRPL12):c.75-14G>A

Gene: MRPL12 (mitochondrial ribosomal protein L12; plus strand). Cytogenetic location: 17q25.3.
Variant type: single nucleotide variant.
Coding change: c.75-14G>A on transcript NM_002949.4 (MANE Select); 14 bases into the intron before coding-DNA position 75, G replaced by A.
Molecular consequence: intron variant.
Genome position (GRCh38, 1-based): chr17:81,704,230, G>A. VCF-style: chr17-81704230-G-A. GRCh37 (hg19) VCF-style: chr17-79671260-G-A.
Identifiers: ClinVar variation 3629294 (VCV003629294.2).